The following is an entry in ClinVar:

ClinVar aggregate classification (germline): Uncertain significance. Review status: criteria provided, multiple submitters, no conflicts (2 of 4 stars). 6 submissions from 6 submitters: Uncertain significance (6). Last evaluated 2026-04-06.

Conditions:
Hereditary nonpolyposis colorectal neoplasms. Identifiers: MedGen C0009405, MeSH D003123.
Hereditary cancer-predisposing syndrome. Also called: Hereditary Cancer Syndrome; Neoplastic Syndromes, Hereditary; Tumor predisposition; Hereditary neoplastic syndrome. Identifiers: Orphanet 140162, MedGen C0027672, MeSH D009386, MONDO:0015356.
Lynch syndrome. Identifiers: Orphanet 144, MedGen C4552100, MONDO:0005835. Disease mechanism: loss of function.

Allele frequency attached by ClinVar (database versions not stated): gnomAD 0.00001; TOPMed 0.00001; ESP Exome Variant Server 0.00008.
gnomAD v4.1: 1 of 1,613,940 alleles (0.000062%); highest among the groups gnomAD compares: African/African-American, 0.0013%; no homozygotes.

Submissions (6):

Women's Health and Genetics/Laboratory Corporation of America, LabCorp
Classification: Uncertain significance. Last evaluated: 2026-04-06. Review status: criteria provided, single submitter. Criteria: LabCorp Variant Classification Summary - May 2015. Collection method: clinical testing. Allele origin: germline.
Comment: Variant summary: MSH6 c.3700G>C (p.Glu1234Gln) results in a conservative amino acid change in the encoded protein sequence. Algorithms developed to predict the effect of missense changes on protein structure and function are either unavailable or do not agree on the potential impact of this missense change. The variant was absent in 251224 control chromosomes. The available data on variant occurrences in the general population are insufficient to allow any conclusion about variant significance. To our knowledge, no occurrence of c.3700G>C in individuals affected with MSH6-related conditions and no experimental evidence demonstrating its impact on protein function have been reported. ClinVar contains an entry for this variant (Variation ID: 824098). Based on the evidence outlined above, the variant was classified as uncertain significance.

Ambry Genetics
Classification: Uncertain significance for Hereditary cancer-predisposing syndrome. Last evaluated: 2025-03-07. Review status: criteria provided, single submitter. Criteria: Ambry Variant Classification Scheme 2023. Collection method: clinical testing. Allele origin: germline.
Comment: The p.E1234Q variant (also known as c.3700G>C), located in coding exon 8 of the MSH6 gene, results from a G to C substitution at nucleotide position 3700. The glutamic acid at codon 1234 is replaced by glutamine, an amino acid with highly similar properties. This amino acid position is highly conserved in available vertebrate species. In addition, this alteration is predicted to be deleterious by in silico analysis. Since supporting evidence is limited at this time, the clinical significance of this alteration remains unclear.

Labcorp Genetics (formerly Invitae), Labcorp
Classification: Uncertain significance for Hereditary nonpolyposis colorectal neoplasms. Last evaluated: 2025-02-07. Review status: criteria provided, single submitter. Criteria: Invitae Variant Classification Sherloc (09022015). Collection method: clinical testing. Allele origin: germline.
Comment: This sequence change replaces glutamic acid, which is acidic and polar, with glutamine, which is neutral and polar, at codon 1234 of the MSH6 protein (p.Glu1234Gln). This variant is not present in population databases (gnomAD no frequency). This variant has not been reported in the literature in individuals affected with MSH6-related conditions. ClinVar contains an entry for this variant (Variation ID: 824098). Invitae Evidence Modeling of protein sequence and biophysical properties (such as structural, functional, and spatial information, amino acid conservation, physicochemical variation, residue mobility, and thermodynamic stability) indicates that this missense variant is not expected to disrupt MSH6 protein function with a negative predictive value of 95%. In summary, the available evidence is currently insufficient to determine the role of this variant in disease. Therefore, it has been classified as a Variant of Uncertain Significance.

All of Us Research Program, National Institutes of Health
Classification: Uncertain significance for Lynch syndrome. Last evaluated: 2024-05-30. Review status: criteria provided, single submitter. Criteria: ACMG Guidelines, 2015. Collection method: clinical testing. Allele origin: germline. Inheritance: Autosomal dominant inheritance. Observed: 1 variant allele, 1 heterozygote.
Comment: This missense variant replaces glutamic acid with glutamine at codon 1234 of the MSH6 protein. Computational prediction is inconclusive regarding the impact of this variant on protein structure and function (internally defined REVEL score threshold 0.5 < inconclusive < 0.7, PMID: 27666373). To our knowledge, functional studies have not been reported for this variant. This variant has not been reported in individuals affected with MSH6-related disorders in the literature. This variant has not been identified in the general population by the Genome Aggregation Database (gnomAD). The available evidence is insufficient to determine the role of this variant in disease conclusively. Therefore, this variant is classified as a Variant of Uncertain Significance.

This study involves interpretation of variants in research participants for the purpose of population health screening. Participant phenotype was not available at the time of variant classification. Additional details can be found in publication PMID: 35346344, PMCID: PMC8962531

Color Diagnostics, LLC DBA Color Health
Classification: Uncertain significance for Hereditary cancer-predisposing syndrome. Last evaluated: 2024-05-15. Review status: criteria provided, single submitter. Criteria: ACMG Guidelines, 2015. Collection method: clinical testing. Allele origin: germline.
Comment: This missense variant replaces glutamic acid with glutamine at codon 1234 of the MSH6 protein. Computational prediction is inconclusive regarding the impact of this variant on protein structure and function (internally defined REVEL score threshold 0.5 < inconclusive < 0.7, PMID: 27666373). To our knowledge, functional studies have not been reported for this variant. This variant has not been reported in individuals affected with MSH6-related disorders in the literature. This variant has not been identified in the general population by the Genome Aggregation Database (gnomAD). The available evidence is insufficient to determine the role of this variant in disease conclusively. Therefore, this variant is classified as a Variant of Uncertain Significance.

GeneDx
Classification: Uncertain significance. Last evaluated: 2023-01-13. Review status: criteria provided, single submitter. Criteria: GeneDx Variant Classification Process June 2021. Collection method: clinical testing. Allele origin: germline. Affected: yes.
Comment: Not observed at significant frequency in large population cohorts (gnomAD); In silico analysis supports that this missense variant does not alter protein structure/function; Has not been previously published as pathogenic or benign to our knowledge; This variant is associated with the following publications: (PMID: 21153778, 23621914, 27527004, 35236796, 17531815, 21120944)

NM_000179.3(MSH6):c.3700G>C (p.Glu1234Gln)

Gene: MSH6 (mutS homolog 6; plus strand). Cytogenetic location: 2p16.3.
Variant type: single nucleotide variant.
Coding change: c.3700G>C on transcript NM_000179.3 (MANE Select); coding-DNA position 3700, G replaced by C.
Protein change: p.Glu1234Gln; replaces glutamic acid 1234 with glutamine.
Molecular consequence: missense variant.
Genome position (GRCh38, 1-based): chr2:47,806,257, G>C. VCF-style: chr2-47806257-G-C. GRCh37 (hg19) VCF-style: chr2-48033396-G-C.
Other names: c.3310G>C, p.Glu1104Gln (NM_001281492.2); c.2794G>C, p.Glu932Gln (NM_001281493.2, NM_001281494.2); short protein forms E1234Q, E932Q, E1104Q.
Identifiers: ClinVar variation 824098 (VCV000824098.14), dbSNP rs35717727, ClinGen allele CA46719355.
Genomic context (GRCh38, chr2:47,806,257, plus strand): 5'-TTAACAGGAAGAGGTACTGCAACATTTGATGGGACGGCAATAGCAAATGCAGTTGTTAAA[G>C]AACTTGCTGAGACTATAAAATGTCGTACATTATTTTCAACTCACTACCATTCATTAGTAG-3'
Protein context (NP_000170.1, residues 1224-1244): GTAIANAVVK[Glu1234Gln]LAETIKCRTL